The following is an entry in ClinVar:

ClinVar aggregate classification (germline): Uncertain significance. Review status: criteria provided, multiple submitters, no conflicts (2 of 4 stars). 2 submissions from 2 submitters: Uncertain significance (2). Last evaluated 2025-10-18.

Allele frequency attached by ClinVar (database versions not stated): ExAC 0.00006; gnomAD 0.00007; ESP Exome Variant Server 0.00008; TOPMed 0.00005.
gnomAD v4.1: 90 of 1,613,994 alleles (0.0056%); highest among the groups gnomAD compares: Middle Eastern, 0.082%; no homozygotes.

Submissions (2):

Ambry Genetics
Classification: Uncertain significance. Last evaluated: 2025-10-18. Review status: criteria provided, single submitter. Criteria: Ambry Variant Classification Scheme 2023. Collection method: clinical testing. Allele origin: germline.

Labcorp Genetics (formerly Invitae), Labcorp
Classification: Uncertain significance. Last evaluated: 2023-07-16. Review status: criteria provided, single submitter. Criteria: Invitae Variant Classification Sherloc (09022015). Collection method: clinical testing. Allele origin: germline.
Comment: This variant is present in population databases (rs376940565, gnomAD 0.02%). This sequence change replaces arginine, which is basic and polar, with histidine, which is basic and polar, at codon 1272 of the NIN protein (p.Arg1272His). This variant has not been reported in the literature in individuals affected with NIN-related conditions. In summary, the available evidence is currently insufficient to determine the role of this variant in disease. Therefore, it has been classified as a Variant of Uncertain Significance. Algorithms developed to predict the effect of missense changes on protein structure and function output the following: SIFT: "Not Available"; PolyPhen-2: "Benign"; Align-GVGD: "Not Available". The histidine amino acid residue is found in multiple mammalian species, which suggests that this missense change does not adversely affect protein function. ClinVar contains an entry for this variant (Variation ID: 2145124).

NM_020921.4(NIN):c.3815G>A (p.Arg1272His)

Gene: NIN (ninein; minus strand). Cytogenetic location: 14q22.1.
Variant type: single nucleotide variant.
Coding change: c.3815G>A on transcript NM_020921.4 (MANE Select); coding-DNA position 3815, G replaced by A.
Protein change: p.Arg1272His; replaces arginine 1272 with histidine.
Molecular consequence: missense variant. On other transcripts: intron variant (1).
Genome position (GRCh38, 1-based): chr14:50,757,215, C>T on the plus strand (G>A on the coding strand, the complement: NIN is on the minus strand). VCF-style: chr14-50757215-C-T. GRCh37 (hg19) VCF-style: chr14-51223933-C-T.
Other names: c.3815G>A, p.Arg1272His (NM_182944.3, NM_182946.2); c.2400-2348G>A (NM_016350.5); c.3815G>A (NM_020921.3); short protein forms R1272H.
Identifiers: ClinVar variation 2145124 (VCV002145124.5), dbSNP rs376940565, ClinGen allele CA7181674.